The following is an entry in ClinVar:

NM_032578.4(MYPN):c.2222G>A (p.Ser741Asn)

Gene: MYPN (myopalladin; plus strand). Cytogenetic location: 10q21.3.
Variant type: single nucleotide variant.
Coding change: c.2222G>A on transcript NM_032578.4 (MANE Select); coding-DNA position 2222, G replaced by A.
Protein change: p.Ser741Asn; replaces serine 741 with asparagine.
Molecular consequence: missense variant. On other transcripts: non-coding transcript variant (2).
Genome position (GRCh38, 1-based): chr10:68,174,314, G>A. VCF-style: chr10-68174314-G-A. GRCh37 (hg19) VCF-style: chr10-69934071-G-A.
Other names: c.2222G>A, p.Ser741Asn (NM_001256267.2); c.1340G>A, p.Ser447Asn (NM_001256268.2); short protein forms S741N, S447N.
Identifiers: ClinVar variation 1787951 (VCV001787951.2), dbSNP rs2495793734, ClinGen allele CA376845484.

ClinVar aggregate classification (germline): Uncertain significance (1 of 4 stars; one submission).

Conditions:
Cardiovascular phenotype. Identifiers: MedGen CN230736.

Submission:

Ambry Genetics
Classification: Uncertain significance for Cardiovascular phenotype. Last evaluated: 2022-02-11. Review status: criteria provided, single submitter. Criteria: Ambry Variant Classification Scheme 2023. Collection method: clinical testing. Allele origin: germline.
Comment: The p.S741N variant (also known as c.2222G>A), located in coding exon 10 of the MYPN gene, results from a G to A substitution at nucleotide position 2222. The serine at codon 741 is replaced by asparagine, an amino acid with highly similar properties. This amino acid position is conserved. In addition, this alteration is predicted to be tolerated by in silico analysis. Since supporting evidence is limited at this time, the clinical significance of this alteration remains unclear.